The following is an entry in ClinVar:

NM_004311.4(ARL3):c.23G>T (p.Arg8Leu)

Gene: ARL3 (ARF like GTPase 3; minus strand). Cytogenetic location: 10q24.32.
Variant type: single nucleotide variant.
Coding change: c.23G>T on transcript NM_004311.4 (MANE Select); coding-DNA position 23, G replaced by T.
Protein change: p.Arg8Leu; replaces arginine 8 with leucine.
Molecular consequence: missense variant.
Genome position (GRCh38, 1-based): chr10:102,705,470, C>A on the plus strand (G>T on the coding strand, the complement: ARL3 is on the minus strand). VCF-style: chr10-102705470-C-A. GRCh37 (hg19) VCF-style: chr10-104465227-C-A.
Other names: c.23G>T (NM_004311.3); short protein forms R8L.
Identifiers: ClinVar variation 2777616 (VCV002777616.4), dbSNP rs368901451, ClinGen allele CA212266265.

ClinVar aggregate classification (germline): Uncertain significance. Review status: criteria provided, multiple submitters, no conflicts (2 of 4 stars). 2 submissions from 2 submitters: Uncertain significance (2). Last evaluated 2025-08-29.

Conditions:
Inborn genetic diseases. Identifiers: MedGen C0950123, MeSH D030342.

gnomAD v4.1: 5 of 1,597,898 alleles (0.00031%); highest among the groups gnomAD compares: Non-Finnish European, 0.00034%; no homozygotes.

Submissions (2):

Ambry Genetics
Classification: Uncertain significance for Inborn genetic diseases. Last evaluated: 2025-08-29. Review status: criteria provided, single submitter. Criteria: Ambry Variant Classification Scheme 2023. Collection method: clinical testing. Allele origin: germline.

Labcorp Genetics (formerly Invitae), Labcorp
Classification: Uncertain significance. Last evaluated: 2023-08-02. Review status: criteria provided, single submitter. Criteria: Invitae Variant Classification Sherloc (09022015). Collection method: clinical testing. Allele origin: germline.
Comment: This variant has not been reported in the literature in individuals affected with ARL3-related conditions. This variant is not present in population databases (gnomAD no frequency). This sequence change replaces arginine, which is basic and polar, with leucine, which is neutral and non-polar, at codon 8 of the ARL3 protein (p.Arg8Leu). In summary, the available evidence is currently insufficient to determine the role of this variant in disease. Therefore, it has been classified as a Variant of Uncertain Significance. An algorithm developed to predict the effect of missense changes on protein structure and function (PolyPhen-2) suggests that this variant is likely to be disruptive.